The following is an entry in ClinVar:

ClinVar aggregate classification (germline): Uncertain significance (1 of 4 stars; one submission).

Conditions:
SDCCAG8-related disorder. Also called: SDCCAG8-Related Disorders; SDCCAG8-related condition.

gnomAD v4.1: 5 of 1,613,324 alleles (0.00031%); highest among the groups gnomAD compares: Non-Finnish European, 0.00042%; no homozygotes.

Submission:

PreventionGenetics, part of Exact Sciences
Classification: Uncertain significance for SDCCAG8-related condition. Last evaluated: 2025-01-22. Review status: criteria provided, single submitter. Criteria: ACMG Guidelines, 2015. Collection method: clinical testing. Allele origin: germline.
Comment: The SDCCAG8 c.2002A>G variant is predicted to result in the amino acid substitution p.Lys668Glu. To our knowledge, this variant has not been reported in the literature or in a large population database (gnomAD), indicating this variant is rare. At this time, the clinical significance of this variant is uncertain due to the absence of conclusive functional and genetic evidence.

NM_006642.5(SDCCAG8):c.2002A>G (p.Lys668Glu)

Genes: AKT3 (AKT serine/threonine kinase 3; minus strand), SDCCAG8 (SHH signaling and ciliogenesis regulator SDCCAG8; plus strand). Cytogenetic location: 1q43.
Variant type: single nucleotide variant.
Coding change: c.2002A>G on transcript NM_006642.5 (MANE Select); coding-DNA position 2002, A replaced by G.
Protein change: p.Lys668Glu; replaces lysine 668 with glutamic acid.
Molecular consequence: missense variant. On other transcripts: intron variant (1).
Genome position (GRCh38, 1-based): chr1:243,489,030, A>G. VCF-style: chr1-243489030-A-G. GRCh37 (hg19) VCF-style: chr1-243652332-A-G.
Other names: c.1099A>G, p.Lys367Glu (NM_001350246.2, NM_001350247.2, NM_001350251.2); c.2098A>G, p.Lys700Glu (NM_001350248.2); c.1708A>G, p.Lys570Glu (NM_001350249.2); c.*7-580T>C (NM_181690.2); short protein forms K570E, K700E, K668E, K367E.
Identifiers: ClinVar variation 5001616 (VCV005001616.1).
Genomic context (GRCh38, chr1:243,489,030, plus strand): 5'-GCTGACGTTATCCCTCTTTAATTCTGCGGTGGATTTTTCTCCAGGCTAAGGCAGCTGGAT[A>G]AGCACAGCCAGGCCACAGCCCAGCAGCTGGTGCAGCTCCTCAGCAAGCAGAACCAGCTTC-3'
Protein context (NP_006633.1, residues 658-678): TMKQRLRQLD[Lys668Glu]HSQATAQQLV